The following is an entry in ClinVar:

ClinVar aggregate classification (germline): Uncertain significance (1 of 4 stars; one submission).

Submission:

Labcorp Genetics (formerly Invitae), Labcorp
Classification: Uncertain significance. Last evaluated: 2022-04-12. Review status: criteria provided, single submitter. Criteria: Invitae Variant Classification Sherloc (09022015). Collection method: clinical testing. Allele origin: germline.
Comment: This variant is not present in population databases (gnomAD no frequency). This sequence change replaces glutamic acid, which is acidic and polar, with lysine, which is basic and polar, at codon 726 of the PRPF6 protein (p.Glu726Lys). In summary, the available evidence is currently insufficient to determine the role of this variant in disease. Therefore, it has been classified as a Variant of Uncertain Significance. Algorithms developed to predict the effect of missense changes on protein structure and function (SIFT, PolyPhen-2, Align-GVGD) all suggest that this variant is likely to be tolerated. This variant has not been reported in the literature in individuals affected with PRPF6-related conditions.

NM_012469.4(PRPF6):c.2176G>A (p.Glu726Lys)

Gene: PRPF6 (pre-mRNA processing factor 6; plus strand). Cytogenetic location: 20q13.33.
Variant type: single nucleotide variant.
Coding change: c.2176G>A on transcript NM_012469.4 (MANE Select); coding-DNA position 2176, G replaced by A.
Protein change: p.Glu726Lys; replaces glutamic acid 726 with lysine.
Molecular consequence: missense variant.
Genome position (GRCh38, 1-based): chr20:64,027,129, G>A. VCF-style: chr20-64027129-G-A. GRCh37 (hg19) VCF-style: chr20-62658482-G-A.
Other names: short protein forms E726K.
Identifiers: ClinVar variation 2125054 (VCV002125054.4), dbSNP rs2517650916, ClinGen allele CA409740476.